The following is an entry in ClinVar:

NM_001205293.3(CACNA1E):c.2312G>A (p.Arg771His)

Gene: CACNA1E (calcium voltage-gated channel subunit alpha1 E; plus strand). Cytogenetic location: 1q25.3.
Variant type: single nucleotide variant.
Coding change: c.2312G>A on transcript NM_001205293.3 (MANE Select); coding-DNA position 2312, G replaced by A.
Protein change: p.Arg771His; replaces arginine 771 with histidine.
Molecular consequence: missense variant.
Genome position (GRCh38, 1-based): chr1:181,732,398, G>A. VCF-style: chr1-181732398-G-A. GRCh37 (hg19) VCF-style: chr1-181701534-G-A.
Other names: c.2312G>A, p.Arg771His (NM_000721.4); c.2255G>A, p.Arg752His (NM_001205294.2); short protein forms R752H, R771H.
Identifiers: ClinVar variation 1212810 (VCV001212810.6), dbSNP rs1244664714, ClinGen allele CA343616882.

ClinVar aggregate classification (germline): Uncertain significance. Review status: criteria provided, multiple submitters, no conflicts (2 of 4 stars). 2 submissions from 2 submitters: Uncertain significance (2). Last evaluated 2024-12-19.

Allele frequency attached by ClinVar (database versions not stated): gnomAD exomes below 0.00001; TOPMed below 0.00001.
gnomAD v4.1: 9 of 1,528,944 alleles (0.00059%); highest among the groups gnomAD compares: South Asian, 0.0025%; no homozygotes.

Submissions (2):

Labcorp Genetics (formerly Invitae), Labcorp
Classification: Uncertain significance. Last evaluated: 2024-12-19. Review status: criteria provided, single submitter. Criteria: Invitae Variant Classification Sherloc (09022015). Collection method: clinical testing. Allele origin: germline.
Comment: This sequence change replaces arginine, which is basic and polar, with histidine, which is basic and polar, at codon 771 of the CACNA1E protein (p.Arg771His). This variant is not present in population databases (gnomAD no frequency). This variant has not been reported in the literature in individuals affected with CACNA1E-related conditions. ClinVar contains an entry for this variant (Variation ID: 1212810). Invitae Evidence Modeling of protein sequence and biophysical properties (such as structural, functional, and spatial information, amino acid conservation, physicochemical variation, residue mobility, and thermodynamic stability) has been performed for this missense variant. However, the output from this modeling did not meet the statistical confidence thresholds required to predict the impact of this variant on CACNA1E protein function. In summary, the available evidence is currently insufficient to determine the role of this variant in disease. Therefore, it has been classified as a Variant of Uncertain Significance.

GeneDx
Classification: Uncertain significance. Last evaluated: 2020-01-24. Review status: criteria provided, single submitter. Criteria: GeneDx Variant Classification Process June 2021. Collection method: clinical testing. Allele origin: germline. Affected: yes.
Comment: In silico analysis, which includes protein predictors and evolutionary conservation, supports that this variant does not alter protein structure/function; Has not been previously published as pathogenic or benign to our knowledge